The following is an entry in ClinVar:

ClinVar aggregate classification (germline): Benign. Review status: criteria provided, single submitter (1 of 4 stars). 2 submissions from 2 submitters: Benign (1). 1 of the submissions does not count toward it. Last evaluated 2026-02-02.

Conditions:
TRPC3-related disorder. Also called: TRPC3-related condition.

Allele frequency attached by ClinVar (database versions not stated): 1000 Genomes Project 30x 0.04107; 1000 Genomes Project 0.04173; TOPMed 0.06850; ESP Exome Variant Server 0.07236; gnomAD exomes 0.10462; ExAC 0.08364.
gnomAD v4.1: 163,609 of 1,613,080 alleles (10%); highest among the groups gnomAD compares: Non-Finnish European, 12%; 9,148 homozygotes.

Submissions (2):

Labcorp Genetics (formerly Invitae), Labcorp
Classification: Benign. Last evaluated: 2026-02-02. Review status: criteria provided, single submitter. Criteria: Invitae Variant Classification Sherloc (09022015). Collection method: clinical testing. Allele origin: germline.

PreventionGenetics, part of Exact Sciences
Classification: Benign for TRPC3-related condition. Last evaluated: 2020-01-20. Review status: no assertion criteria provided. Collection method: clinical testing. Allele origin: germline. Not counted in ClinVar's aggregate classification.
Comment: This variant is classified as benign based on ACMG/AMP sequence variant interpretation guidelines (Richards et al. 2015 PMID: 25741868, with internal and published modifications).

NM_001130698.2(TRPC3):c.297C>G (p.Ala99=)

Gene: TRPC3 (transient receptor potential cation channel subfamily C member 3; minus strand). Cytogenetic location: 4q27.
Variant type: single nucleotide variant.
Coding change: c.297C>G on transcript NM_001130698.2 (MANE Select); coding-DNA position 297, C replaced by G.
Protein change: p.Ala99=; no amino-acid change (alanine 99 retained).
Molecular consequence: synonymous variant.
Genome position (GRCh38, 1-based): chr4:121,932,961, G>C on the plus strand (C>G on the coding strand, the complement: TRPC3 is on the minus strand). VCF-style: chr4-121932961-G-C. GRCh37 (hg19) VCF-style: chr4-122854116-G-C.
Other names: c.297C>G, p.Ala99= (NM_001366479.2); c.78C>G, p.Ala26= (NM_003305.2); c.297C>G (NM_001130698.1).
Identifiers: ClinVar variation 2135328 (VCV002135328.6), dbSNP rs13121031, ClinGen allele CA3065187.